The following is an entry in ClinVar:

ClinVar aggregate classification (germline): Likely benign (1 of 4 stars; one submission).

Conditions:
Spinocerebellar ataxia type 41. Identifiers: Orphanet 458798, MedGen C4225158, MONDO:0014626, OMIM 616410.

gnomAD v4.1: 3 of 1,613,498 alleles (0.00019%); highest among the groups gnomAD compares: South Asian, 0.0033%; no homozygotes.

Submission:

Centre for Medical Genetics,  Mumbai
Classification: Likely benign for Spinocerebellar ataxia type 41. Last evaluated: 2026-03-16. Review status: criteria provided, single submitter. Criteria: ACMG Guidelines, 2015. Collection method: provider interpretation. Allele origin: germline. Inheritance: Autosomal dominant inheritance. Affected: no. Observed: 1 variant allele, 1 heterozygote.
Comment: The variant satisfies PM2 criteria; Extremely low frequency in gnomAD population databases. The variant satisfies PP2 criteria; Missense variant in a gene with low rate of benign missense mutations and for which missense mutation is a common mechanism of a disease. The variant satisfies PP3 criteria; For a missense or a splicing region variant, computational prediction tools unanimously support a deleterious effect on the gene. However, the variant satisfies BS2 criteria; present in heterozygous state in an individual that clinically does not have Spinocerebellar ataxia 41.

Literature cited by the submitters: PubMed 25477146.

NM_001130698.2(TRPC3):c.1577G>A (p.Cys526Tyr)

Gene: TRPC3 (transient receptor potential cation channel subfamily C member 3; minus strand). Cytogenetic location: 4q27.
Variant type: single nucleotide variant.
Coding change: c.1577G>A on transcript NM_001130698.2 (MANE Select); coding-DNA position 1577, G replaced by A.
Protein change: p.Cys526Tyr; replaces cysteine 526 with tyrosine.
Molecular consequence: missense variant.
Genome position (GRCh38, 1-based): chr4:121,910,369, C>T on the plus strand (G>A on the coding strand, the complement: TRPC3 is on the minus strand). VCF-style: chr4-121910369-C-T. GRCh37 (hg19) VCF-style: chr4-122831524-C-T.
Other names: c.1577G>A, p.Cys526Tyr (NM_001366479.2); c.1358G>A, p.Cys453Tyr (NM_003305.2); short protein forms C453Y, C526Y.
Identifiers: ClinVar variation 4819565 (VCV004819565.1).